The following is an entry in ClinVar:

ClinVar aggregate classification (germline): Uncertain significance (1 of 4 stars; one submission).

Conditions:
Neuropathy, hereditary motor and sensory, type 6B (HMSN6B). Also called: HMSN VIB; CHARCOT-MARIE-TOOTH DISEASE, TYPE 6B; NEUROPATHY, HEREDITARY MOTOR AND SENSORY, TYPE VIB, WITH OPTIC ATROPHY; Neuropathy, hereditary motor and sensory, type VIB. Identifiers: MedGen C4225302, MONDO:0014671, OMIM 616505.

Allele frequency attached by ClinVar (database versions not stated): gnomAD exomes below 0.00001; gnomAD 0.00001.

Submission:

Labcorp Genetics (formerly Invitae), Labcorp
Classification: Uncertain significance for Neuropathy, hereditary motor and sensory, type 6B. Last evaluated: 2023-07-17. Review status: criteria provided, single submitter. Criteria: Invitae Variant Classification Sherloc (09022015). Collection method: clinical testing. Allele origin: germline.
Comment: In summary, the available evidence is currently insufficient to determine the role of this variant in disease. Therefore, it has been classified as a Variant of Uncertain Significance. Advanced modeling of protein sequence and biophysical properties (such as structural, functional, and spatial information, amino acid conservation, physicochemical variation, residue mobility, and thermodynamic stability) performed at Invitae indicates that this missense variant is not expected to disrupt SLC25A46 protein function. ClinVar contains an entry for this variant (Variation ID: 2024141). This variant has not been reported in the literature in individuals affected with SLC25A46-related conditions. This variant is not present in population databases (gnomAD no frequency). This sequence change replaces methionine, which is neutral and non-polar, with isoleucine, which is neutral and non-polar, at codon 163 of the SLC25A46 protein (p.Met163Ile).

NM_138773.4(SLC25A46):c.489G>C (p.Met163Ile)

Gene: SLC25A46 (solute carrier family 25 member 46; plus strand). Cytogenetic location: 5q22.1.
Variant type: single nucleotide variant.
Coding change: c.489G>C on transcript NM_138773.4 (MANE Select); coding-DNA position 489, G replaced by C.
Protein change: p.Met163Ile; replaces methionine 163 with isoleucine.
Molecular consequence: missense variant. On other transcripts: non-coding transcript variant (1).
Genome position (GRCh38, 1-based): chr5:110,748,189, G>C. VCF-style: chr5-110748189-G-C. GRCh37 (hg19) VCF-style: chr5-110083890-G-C.
Other names: c.489G>C, p.Met163Ile (NM_001303249.3); c.216G>C, p.Met72Ile (NM_001303250.3); short protein forms M163I, M72I.
Identifiers: ClinVar variation 2024141 (VCV002024141.3), dbSNP rs1799869043, ClinGen allele CA360694911.
Genomic context (GRCh38, chr5:110,748,189, plus strand): 5'-TTAACAGAAATAACATGAATTTTGTTCAATTTAGGGACCTAGAGCCCTGTGGAAAGGAAT[G>C]GGAAGTACATTTATTGTCCAGGGAGTCACACTTGGAGCAGAAGGCATAATTAGTGAATTT-3'
Protein context (NP_620128.1, residues 153-173): TQGPRALWKG[Met163Ile]GSTFIVQGVT